The following is an entry in ClinVar:

ClinVar aggregate classification (germline): Pathogenic (0 of 4 stars; one submission).

Conditions:
Angelman syndrome (AS). Also called: HAPPY PUPPET SYNDROME. Identifiers: Orphanet 72, MedGen C0162635, MONDO:0007113, OMIM 105830. Disease mechanism: loss of function. Inheritance: AS is caused by disruption of maternally imprinted UBE3A located within the 15q11.2-q13 Angelman syndrome/Prader-Willi syndrome (AS/PWS) region., imprinting disorder.

Submission:

Baylor Genetics
Classification: Pathogenic for Angelman Syndrome. Last evaluated: 2014-02-14. Review status: no assertion criteria provided. Collection method: clinical testing. Allele origin: germline. Affected: yes. Observed: 1 variant allele. Study: UBE3A Mutation Study.
Comment: Data collected from clinical UBE3A sequence analysis results

Literature cited by the submitters: PubMed 25212744.

NM_130839.5(UBE3A):c.777T>A (p.Tyr259Ter)

Genes: SNHG14 (small nucleolar RNA host gene 14; plus strand), UBE3A (ubiquitin protein ligase E3A; minus strand). Cytogenetic location: 15q11.2.
Variant type: single nucleotide variant.
Coding change: c.777T>A on transcript NM_130839.5 (MANE Select); coding-DNA position 777, T replaced by A.
Protein change: p.Tyr259Ter; replaces tyrosine 259 with a stop codon.
Molecular consequence: nonsense. On other transcripts: non-coding transcript variant (1), intron variant (2).
Genome position (GRCh38, 1-based): chr15:25,371,397, A>T on the plus strand (T>A on the coding strand, the complement: UBE3A is on the minus strand). VCF-style: chr15-25371397-A-T. GRCh37 (hg19) VCF-style: chr15-25616544-A-T.
Other names: c.786T>A, p.Tyr262Ter (NM_000462.5); c.777T>A, p.Tyr259Ter (NM_001354505.1, NM_001354538.2, NM_001354545.2); c.717T>A, p.Tyr239Ter (NM_001354506.2, NM_001354507.2, NM_001354508.2 and 17 more transcripts); c.600T>A, p.Tyr200Ter (NM_001354546.2); c.301+4068T>A (NM_001354551.2); c.361+4068T>A (NM_001354550.2); short protein forms Y239*, Y200*, Y259*, Y262*.
Identifiers: ClinVar variation 136198 (VCV000136198.1), dbSNP rs587780576, ClinGen allele CA333469.
Genomic context (GRCh38, chr15:25,371,397, plus strand): 5'-ATTAGGATCTCGAGAGTATACATTGTGATACGTCAAGTCACATTCCACGTTAGGTGACAA[A>T]TATACAAGTGCATTGAGAAAGGCAGTTTCAATTTTTTCATTAGAGAGCAATCTGGTGTAG-3'